The following is an entry in ClinVar:

NM_199355.4(ADAMTS18):c.2920C>G (p.Leu974Val)

Gene: ADAMTS18 (ADAM metallopeptidase with thrombospondin type 1 motif 18; minus strand). Cytogenetic location: 16q23.1.
Variant type: single nucleotide variant.
Coding change: c.2920C>G on transcript NM_199355.4 (MANE Select); coding-DNA position 2920, C replaced by G.
Protein change: p.Leu974Val; replaces leucine 974 with valine.
Molecular consequence: missense variant.
Genome position (GRCh38, 1-based): chr16:77,295,009, G>C on the plus strand (C>G on the coding strand, the complement: ADAMTS18 is on the minus strand). VCF-style: chr16-77295009-G-C. GRCh37 (hg19) VCF-style: chr16-77328906-G-C.
Other names: c.2404C>G, p.Leu802Val (NM_001326358.2); short protein forms L802V, L974V.
Identifiers: ClinVar variation 1020412 (VCV001020412.6), dbSNP rs147971610, ClinGen allele CA8180696.

ClinVar aggregate classification (germline): Conflicting classifications of pathogenicity. Review status: criteria provided, conflicting classifications (1 of 4 stars). 2 submissions from 2 submitters: Uncertain significance (1); Likely benign (1). Last evaluated 2024-10-15.

Allele frequency attached by ClinVar (database versions not stated): ExAC 0.00004; gnomAD exomes 0.00005; gnomAD 0.00016 and 0.00017; TOPMed 0.00024; ESP Exome Variant Server 0.00031.
gnomAD v4.1: 46 of 1,614,204 alleles (0.0028%); highest among the groups gnomAD compares: African/African-American, 0.053%; no homozygotes.

Submissions (2):

Labcorp Genetics (formerly Invitae), Labcorp
Classification: Uncertain significance. Last evaluated: 2024-10-15. Review status: criteria provided, single submitter. Criteria: Invitae Variant Classification Sherloc (09022015). Collection method: clinical testing. Allele origin: germline.
Comment: This sequence change replaces leucine, which is neutral and non-polar, with valine, which is neutral and non-polar, at codon 974 of the ADAMTS18 protein (p.Leu974Val). This variant is present in population databases (rs147971610, gnomAD 0.05%). This variant has not been reported in the literature in individuals affected with ADAMTS18-related conditions. ClinVar contains an entry for this variant (Variation ID: 1020412). An algorithm developed to predict the effect of missense changes on protein structure and function (PolyPhen-2) suggests that this variant is likely to be disruptive. In summary, the available evidence is currently insufficient to determine the role of this variant in disease. Therefore, it has been classified as a Variant of Uncertain Significance.

Blueprint Genetics
Classification: Likely benign. Last evaluated: 2022-09-12. Review status: criteria provided, single submitter. Criteria: ACMG Guidelines, 2015. Collection method: clinical testing. Allele origin: germline.